The following is an entry in ClinVar:

NM_002691.4(POLD1):c.2451_2455dup (p.Asp819fs)

Gene: POLD1 (DNA polymerase delta 1, catalytic subunit; plus strand). Cytogenetic location: 19q13.33.
Variant type: Duplication.
Coding change: c.2451_2455dup on transcript NM_002691.4 (MANE Select); coding-DNA positions 2451 to 2455, 5 bases duplicated (GCCCG; older notation c.2451_2455dupGCCCG).
Protein change: p.Asp819fs; shifts the reading frame from aspartic acid 819.
Molecular consequence: frameshift variant. On other transcripts: non-coding transcript variant (1).
Genome position (GRCh38, 1-based): chr19:50,414,877-50,414,881, GCCCG duplicated; duplicating any 5 consecutive bases within chr19:50,414,873-50,414,881 gives the same sequence; the c. name uses the placement nearest the transcript's 3' end. VCF-style (leftmost placement, unchanged base first): chr19-50414872-T-TCCCGG. GRCh37 (hg19) VCF-style: chr19-50918129-T-TCCCGG.
Other names: c.2451_2455dupGCCCG (NM_002691.2); c.2451_2455dup, p.Asp819fs (NM_001256849.1); c.2529_2533dup, p.Asp845fs (NM_001308632.1); short protein forms D819fs, D845fs.
Identifiers: ClinVar variation 1486138 (VCV001486138.9), dbSNP rs2039216657, ClinGen allele CA2340889505.

ClinVar aggregate classification (germline): Uncertain significance. Review status: criteria provided, multiple submitters, no conflicts (2 of 4 stars). 2 submissions from 2 submitters: Uncertain significance (2). Last evaluated 2025-04-09.

Conditions:
POLD1-related polyposis and colorectal cancer syndrome (CRCS10). Also called: Colorectal cancer 10; COLORECTAL CANCER, SUSCEPTIBILITY TO, ON CHROMOSOME 19q; Colorectal cancer, susceptibility to, 10. Identifiers: Orphanet 220460, MedGen C2675481, MONDO:0012953, OMIM 612591.
Hereditary cancer-predisposing syndrome. Also called: Neoplastic Syndromes, Hereditary; Tumor predisposition; Hereditary Cancer Syndrome; Hereditary neoplastic syndrome. Identifiers: Orphanet 140162, MedGen C0027672, MeSH D009386, MONDO:0015356.

Submissions (2):

Ambry Genetics
Classification: Uncertain significance for Hereditary cancer-predisposing syndrome. Last evaluated: 2025-04-09. Review status: criteria provided, single submitter. Criteria: Ambry Variant Classification Scheme 2023. Collection method: clinical testing. Allele origin: germline.
Comment: The c.2451_2455dupGCCCG variant, located in coding exon 19 of the POLD1 gene, results from a duplication of GCCCG at nucleotide position 2451, causing a translational frameshift with a predicted alternate stop codon (p.D819Gfs*71). This alteration is expected to result in loss of function by premature protein truncation or nonsense-mediated mRNA decay. However, loss of function of POLD1 has not been established as a mechanism of disease. Based on the available evidence, the clinical significance of this alteration remains unclear.

Labcorp Genetics (formerly Invitae), Labcorp
Classification: Uncertain significance for POLD1-related polyposis and colorectal cancer syndrome. Last evaluated: 2021-05-21. Review status: criteria provided, single submitter. Criteria: Invitae Variant Classification Sherloc (09022015). Collection method: clinical testing. Allele origin: germline.
Comment: Missense variants that disrupt the 3'-5' exonuclease (proof-reading) activity of the POLD1 protein, are associated with an increased risk for colonic adenomatous polyps and colon cancer (PMID: 23263490, 23447401). However loss-of-function variants, which result in an absent or severely disrupted POLD1 protein, and missense variants outside the exonuclease domain, are unlikely to be associated with polyposis or colon cancer. Without further clinical and genetic evidence, this variant has been classified as a Variant of Uncertain Significance. This variant has not been reported in the literature in individuals with POLD1-related conditions. This variant is not present in population databases (ExAC no frequency). This sequence change creates a premature translational stop signal (p.Asp819Glyfs*71) in the POLD1 gene. It is expected to result in an absent or disrupted protein product.

Literature cited by the submitters: PubMed 23263490 (cited by Labcorp Genetics (formerly Invitae), Labcorp); PubMed 23447401 (cited by Labcorp Genetics (formerly Invitae), Labcorp).